The following is an entry in ClinVar:

NM_000553.6(WRN):c.243T>G (p.Phe81Leu)

Gene: WRN (WRN RecQ like helicase; plus strand). Cytogenetic location: 8p12.
Variant type: single nucleotide variant.
Coding change: c.243T>G on transcript NM_000553.6 (MANE Select); coding-DNA position 243, T replaced by G.
Protein change: p.Phe81Leu; replaces phenylalanine 81 with leucine.
Molecular consequence: missense variant.
Genome position (GRCh38, 1-based): chr8:31,064,322, T>G. VCF-style: chr8-31064322-T-G. GRCh37 (hg19) VCF-style: chr8-30921838-T-G.
Other names: short protein forms F81L.
Identifiers: ClinVar variation 647736 (VCV000647736.4), dbSNP rs1194660232, ClinGen allele CA370913964.
Genomic context (GRCh38, chr8:31,064,322, plus strand): 5'-TAATTTACACTATTTTTCTCACTTTAGCATGAGTCTATCAGATGGGGATGTGGTGGGATT[T>G]GACATGGAGTGGCCACCATTATACAATAGAGGGAAACTTGGCAAAGTTGCACTAATTCAG-3'
Protein context (NP_000544.2, residues 71-91): MSLSDGDVVG[Phe81Leu]DMEWPPLYNR

ClinVar aggregate classification (germline): Uncertain significance (1 of 4 stars; one submission).

Conditions:
Werner syndrome (WRN). Identifiers: Orphanet 902, MedGen C0043119, MONDO:0010196, OMIM 277700.

Allele frequency attached by ClinVar (database versions not stated): gnomAD exomes below 0.00001; TOPMed below 0.00001.
gnomAD v4.1: 4 of 1,614,164 alleles (0.00025%); highest among the groups gnomAD compares: Non-Finnish European, 0.00034%; no homozygotes.

Submission:

Labcorp Genetics (formerly Invitae), Labcorp
Classification: Uncertain significance for Werner syndrome. Last evaluated: 2021-05-03. Review status: criteria provided, single submitter. Criteria: Invitae Variant Classification Sherloc (09022015). Collection method: clinical testing. Allele origin: germline.
Comment: This sequence change replaces phenylalanine with leucine at codon 81 of the WRN protein (p.Phe81Leu). The phenylalanine residue is moderately conserved and there is a small physicochemical difference between phenylalanine and leucine. This variant is not present in population databases (ExAC no frequency). This variant has not been reported in the literature in individuals with WRN-related disease. Algorithms developed to predict the effect of missense changes on protein structure and function are either unavailable or do not agree on the potential impact of this missense change (SIFT: "Tolerated"; PolyPhen-2: "Probably Damaging"; Align-GVGD: "Class C0"). In summary, the available evidence is currently insufficient to determine the role of this variant in disease. Therefore, it has been classified as a Variant of Uncertain Significance.